The following is an entry in ClinVar:

ClinVar aggregate classification (germline): Uncertain significance (1 of 4 stars; one submission).

Conditions:
USP7-related disorder. Also called: USP7-related condition.

Submission:

PreventionGenetics, part of Exact Sciences
Classification: Uncertain significance for USP7-related condition. Last evaluated: 2023-06-10. Review status: criteria provided, single submitter. Criteria: ACMG Guidelines, 2015. Collection method: clinical testing. Allele origin: germline.
Comment: The USP7 c.82G>C variant is predicted to result in the amino acid substitution p.Gly28Arg. To our knowledge, this variant has not been reported in the literature or in a large population database, indicating this variant is rare. At this time, the clinical significance of this variant is uncertain due to the absence of conclusive functional and genetic evidence.

NM_003470.3(USP7):c.82G>C (p.Gly28Arg)

Gene: USP7 (ubiquitin specific peptidase 7; minus strand). Cytogenetic location: 16p13.2.
Variant type: single nucleotide variant.
Coding change: c.82G>C on transcript NM_003470.3 (MANE Select); coding-DNA position 82, G replaced by C.
Protein change: p.Gly28Arg; replaces glycine 28 with arginine.
Molecular consequence: missense variant. On other transcripts: 5 prime UTR variant (2), non-coding transcript variant (1).
Genome position (GRCh38, 1-based): chr16:8,930,395, C>G on the plus strand (G>C on the coding strand, the complement: USP7 is on the minus strand). VCF-style: chr16-8930395-C-G. GRCh37 (hg19) VCF-style: chr16-9024252-C-G.
Other names: c.34G>C, p.Gly12Arg (NM_001286457.2); c.-391G>C (NM_001286458.2); c.-93G>C (NM_001321858.2); short protein forms G12R, G28R.
Identifiers: ClinVar variation 2632409 (VCV002632409.1), dbSNP rs2549258052, ClinGen allele CA394707822.
Genomic context (GRCh38, chr16:8,930,395, plus strand): 5'-GGGCCACATTCCCATTGATCACAGGGTTCTGAGTAATTCTTGGTGGGTCATCTGTATCTC[C>G]CGCTTTAAAGAAGAAAAAGAAATTCCACGGGTTTTACATTCATGGCTTTAATAGAATAAG-3'
Protein context (NP_003461.2, residues 18-38): SEPEDMEMEA[Gly28Arg]DTDDPPRITQ